The following is an entry in ClinVar:

ClinVar aggregate classification (germline): Uncertain significance (1 of 4 stars; one submission).

Conditions:
Hereditary cancer-predisposing syndrome. Also called: Neoplastic Syndromes, Hereditary; Tumor predisposition; Hereditary neoplastic syndrome; Hereditary Cancer Syndrome. Identifiers: Orphanet 140162, MedGen C0027672, MeSH D009386, MONDO:0015356.

gnomAD v4.1: 1 of 1,614,052 alleles (0.000062%); highest among the groups gnomAD compares: Non-Finnish European, 0.000085%; no homozygotes.

Submission:

Ambry Genetics
Classification: Uncertain significance for Hereditary cancer-predisposing syndrome. Last evaluated: 2024-02-20. Review status: criteria provided, single submitter. Criteria: Ambry Variant Classification Scheme 2023. Collection method: clinical testing. Allele origin: germline.
Comment: The p.V313L variant (also known as c.937G>C), located in coding exon 1 of the MET gene, results from a G to C substitution at nucleotide position 937. The valine at codon 313 is replaced by leucine, an amino acid with highly similar properties. This amino acid position is highly conserved in available vertebrate species. In addition, this alteration is predicted to be tolerated by in silico analysis. Based on the available evidence, the clinical significance of this alteration remains unclear.

NM_000245.4(MET):c.937G>C (p.Val313Leu)

Gene: MET (MET proto-oncogene, receptor tyrosine kinase; plus strand). Cytogenetic location: 7q31.2.
Variant type: single nucleotide variant.
Coding change: c.937G>C on transcript NM_000245.4 (MANE Select); coding-DNA position 937, G replaced by C.
Protein change: p.Val313Leu; replaces valine 313 with leucine.
Molecular consequence: missense variant. On other transcripts: intron variant (1).
Genome position (GRCh38, 1-based): chr7:116,700,021, G>C. VCF-style: chr7-116700021-G-C. GRCh37 (hg19) VCF-style: chr7-116340075-G-C.
Other names: c.937G>C, p.Val313Leu (NM_001127500.3, NM_001324401.3); c.-91+27444G>C (NM_001324402.2); short protein forms V313L.
Identifiers: ClinVar variation 3233013 (VCV003233013.1), dbSNP rs2116601309, ClinGen allele CA368970188.
Genomic context (GRCh38, chr7:116,700,021, plus strand): 5'-GAAATGCCTCTGGAGTGTATTCTCACAGAAAAGAGAAAAAAGAGATCCACAAAGAAGGAA[G>C]TGTTTAATATACTTCAGGCTGCGTATGTCAGCAAGCCTGGGGCCCAGCTTGCTAGACAAA-3'
Protein context (NP_000236.2, residues 303-323): KRKKRSTKKE[Val313Leu]FNILQAAYVS